The following is an entry in ClinVar:

NM_000204.5(CFI):c.755A>C (p.Asp252Ala)

Gene: CFI (complement factor I; minus strand). Cytogenetic location: 4q25.
Variant type: single nucleotide variant.
Coding change: c.755A>C on transcript NM_000204.5 (MANE Select); coding-DNA position 755, A replaced by C.
Protein change: p.Asp252Ala; replaces aspartic acid 252 with alanine.
Molecular consequence: missense variant. On other transcripts: non-coding transcript variant (3).
Genome position (GRCh38, 1-based): chr4:109,760,540, T>G on the plus strand (A>C on the coding strand, the complement: CFI is on the minus strand). VCF-style: chr4-109760540-T-G. GRCh37 (hg19) VCF-style: chr4-110681696-T-G.
Other names: c.755A>C, p.Asp252Ala (NM_001318057.2, NM_001331035.2, NM_001375278.1 and 10 more transcripts); c.146A>C, p.Asp49Ala (NM_001375284.1); short protein forms D252A, D49A.
Identifiers: ClinVar variation 4280455 (VCV004280455.2).

ClinVar aggregate classification (germline): Uncertain significance (1 of 4 stars; one submission).

Conditions:
CFI-related disorder. Also called: CFI-related condition; CFI-related disorders. Identifiers: MedGen CN239325.

Submission:

Genomenon, Inc
Classification: Uncertain significance for CFI-related disorder. Last evaluated: 2026-09-17. Review status: criteria provided, single submitter. Criteria: Genomenon Sequence Variant Interpretation Standards - Updated. Collection method: curation. Allele origin: germline. Affected: no.
Comment: CFI p.Asp252Ala (c.755A>C) is a missense variant that changes the amino acid at codon 252 from Aspartic acid to Alanine. This variant has been reported in the published literature (PMID:37363824). This variant is located in a mutational hotspot and/or important functional domain. It is absent or not present at a significant frequency in gnomAD. In silico models predict that this variant is possibly or probably damaging. In conclusion, we classify CFI p.Asp252Ala (c.755A>C) as a variant of uncertain significance.

Literature cited by the submitters: PubMed 37363824.